The following is an entry in ClinVar:

ClinVar aggregate classification (germline): Likely benign. Review status: criteria provided, multiple submitters, no conflicts (2 of 4 stars). 2 submissions from 2 submitters: Likely benign (2). Last evaluated 2025-12-01.

gnomAD v4.1: 541 of 1,582,994 alleles (0.034%); highest among the groups gnomAD compares: African/African-American, 0.47%; 3 homozygotes.

Submissions (2):

CeGaT Center for Human Genetics Tuebingen
Classification: Likely benign. Last evaluated: 2025-12-01. Review status: criteria provided, single submitter. Criteria: CeGaT Center For Human Genetics Tuebingen Variant Classification Criteria Version 2. Collection method: clinical testing. Allele origin: germline. Affected: yes. Observed: 1 variant allele.
Comment: KIF26A: BP4, BP7

Blueprint Genetics
Classification: Likely benign. Last evaluated: 2024-11-08. Review status: criteria provided, single submitter. Criteria: ACMG Guidelines, 2015. Collection method: clinical testing. Allele origin: germline.

NM_015656.2(KIF26A):c.1053G>A (p.Ala351=)

Gene: KIF26A (kinesin family member 26A; plus strand). Cytogenetic location: 14q32.33.
Variant type: single nucleotide variant.
Coding change: c.1053G>A on transcript NM_015656.2 (MANE Select); coding-DNA position 1053, G replaced by A.
Protein change: p.Ala351=; no amino-acid change (alanine 351 retained).
Molecular consequence: synonymous variant.
Genome position (GRCh38, 1-based): chr14:104,166,988, G>A. VCF-style: chr14-104166988-G-A. GRCh37 (hg19) VCF-style: chr14-104633325-G-A.
Identifiers: ClinVar variation 4821704 (VCV004821704.5).